The following is an entry in ClinVar:

NM_002863.5(PYGL):c.1726C>T (p.Arg576Ter)

Gene: PYGL (glycogen phosphorylase L; minus strand). Cytogenetic location: 14q22.1.
Variant type: single nucleotide variant.
Coding change: c.1726C>T on transcript NM_002863.5 (MANE Select); coding-DNA position 1726, C replaced by T.
Protein change: p.Arg576Ter; replaces arginine 576 with a stop codon.
Molecular consequence: nonsense.
Genome position (GRCh38, 1-based): chr14:50,912,198, G>A on the plus strand (C>T on the coding strand, the complement: PYGL is on the minus strand). VCF-style: chr14-50912198-G-A. GRCh37 (hg19) VCF-style: chr14-51378916-G-A.
Other names: c.1624C>T, p.Arg542Ter (NM_001163940.2); short protein forms R542*, R576*.
Identifiers: ClinVar variation 1076414 (VCV001076414.9), dbSNP rs774646420, ClinGen allele CA7183373.

ClinVar aggregate classification (germline): Pathogenic. Review status: criteria provided, multiple submitters, no conflicts (2 of 4 stars). 2 submissions from 2 submitters: Pathogenic (2). Last evaluated 2023-05-03.

Conditions:
PYGL-related disorder. Also called: PYGL-related condition.
Glycogen storage disease, type VI (GSD6). Also called: Glycogen storage disease type 6, due to phosphorylation; GSD VI; Glycogen storage disease type 6; Hepatic glycogen phosphorylase deficiency; HERS DISEASE; PHOSPHORYLASE DEFICIENCY GLYCOGEN-STORAGE DISEASE OF LIVER. Identifiers: Orphanet 369, MedGen C0017925, MONDO:0009294, OMIM 232700.

Allele frequency attached by ClinVar (database versions not stated): TOPMed below 0.00001; ExAC 0.00001; gnomAD 0.00001; gnomAD exomes 0.00001 and 0.00002.
gnomAD v4.1: 19 of 1,614,028 alleles (0.0012%); highest among the groups gnomAD compares: East Asian, 0.0045%; no homozygotes.

Submissions (2):

Blueprint Genetics
Classification: Pathogenic for PYGL-related disorders. Last evaluated: 2023-05-03. Review status: criteria provided, single submitter. Criteria: ACMG Guidelines, 2015. Collection method: clinical testing. Allele origin: germline. Affected: yes. Observed: 2 variant alleles.

Labcorp Genetics (formerly Invitae), Labcorp
Classification: Pathogenic for Glycogen storage disease, type VI. Last evaluated: 2023-03-23. Review status: criteria provided, single submitter. Criteria: Invitae Variant Classification Sherloc (09022015). Collection method: clinical testing. Allele origin: germline.
Comment: This sequence change creates a premature translational stop signal (p.Arg576*) in the PYGL gene. It is expected to result in an absent or disrupted protein product. Loss-of-function variants in PYGL are known to be pathogenic (PMID: 9536091, 21646031). This variant is present in population databases (rs774646420, gnomAD 0.01%). This variant has not been reported in the literature in individuals affected with PYGL-related conditions. ClinVar contains an entry for this variant (Variation ID: 1076414). For these reasons, this variant has been classified as Pathogenic.

Literature cited by the submitters: PubMed 9536091 (cited by Labcorp Genetics (formerly Invitae), Labcorp); PubMed 21646031 (cited by Labcorp Genetics (formerly Invitae), Labcorp).